The following is an entry in ClinVar:

ClinVar aggregate classification (germline): Uncertain significance (1 of 4 stars; one submission).

Conditions:
CPE-related disorder. Also called: CPE-related condition.

gnomAD v4.1: 8 of 1,613,660 alleles (0.0005%); highest among the groups gnomAD compares: African/African-American, 0.0027%; no homozygotes.

Submission:

PreventionGenetics, part of Exact Sciences
Classification: Uncertain significance for CPE-related condition. Last evaluated: 2025-10-16. Review status: criteria provided, single submitter. Criteria: ACMG Guidelines, 2015. Collection method: clinical testing. Allele origin: germline.
Comment: The CPE c.451A>G variant is predicted to result in the amino acid substitution p.Ile151Val. To our knowledge, this variant has not been reported in the literature. This variant is reported in 0.012% of alleles in individuals of African descent in gnomAD. At this time, the clinical significance of this variant is uncertain due to the absence of conclusive functional and genetic evidence.

NM_001873.4(CPE):c.451A>G (p.Ile151Val)

Gene: CPE (carboxypeptidase E; plus strand). Cytogenetic location: 4q32.3.
Variant type: single nucleotide variant.
Coding change: c.451A>G on transcript NM_001873.4 (MANE Select); coding-DNA position 451, A replaced by G.
Protein change: p.Ile151Val; replaces isoleucine 151 with valine.
Molecular consequence: missense variant.
Genome position (GRCh38, 1-based): chr4:165,464,533, A>G. VCF-style: chr4-165464533-A-G. GRCh37 (hg19) VCF-style: chr4-166385685-A-G.
Other names: short protein forms I151V.
Identifiers: ClinVar variation 4999795 (VCV004999795.1).